The following is an entry in ClinVar:

NM_000465.4(BARD1):c.2186A>T (p.Asp729Val)

Gene: BARD1 (BRCA1 associated RING domain 1; minus strand). Cytogenetic location: 2q35.
Variant type: single nucleotide variant.
Coding change: c.2186A>T on transcript NM_000465.4 (MANE Select); coding-DNA position 2186, A replaced by T.
Protein change: p.Asp729Val; replaces aspartic acid 729 with valine.
Molecular consequence: missense variant. On other transcripts: non-coding transcript variant (3).
Genome position (GRCh38, 1-based): chr2:214,728,824, T>A on the plus strand (A>T on the coding strand, the complement: BARD1 is on the minus strand). VCF-style: chr2-214728824-T-A. GRCh37 (hg19) VCF-style: chr2-215593548-T-A.
Other names: c.2129A>T, p.Asp710Val (NM_001282543.2); c.833A>T, p.Asp278Val (NM_001282545.2); c.776A>T, p.Asp259Val (NM_001282548.2); c.647A>T, p.Asp216Val (NM_001282549.2); short protein forms D729V, D259V, D278V, D216V, D710V.
Identifiers: ClinVar variation 653351 (VCV000653351.16), dbSNP rs1337993937, ClinGen allele CA350450323.

ClinVar aggregate classification (germline): Uncertain significance. Review status: criteria provided, multiple submitters, no conflicts (2 of 4 stars). 3 submissions from 3 submitters: Uncertain significance (3). Last evaluated 2025-11-01.

Conditions:
Familial cancer of breast. Also called: hereditary breast carcinoma; BREAST CANCER, FAMILIAL; Hereditary breast cancer. Identifiers: Orphanet 227535, MedGen C0346153, MONDO:0016419, OMIM 114480. Disease mechanism: loss of function.
Hereditary cancer-predisposing syndrome. Also called: Neoplastic Syndromes, Hereditary; Tumor predisposition; Hereditary Cancer Syndrome; Hereditary neoplastic syndrome. Identifiers: Orphanet 140162, MedGen C0027672, MeSH D009386, MONDO:0015356.

Allele frequency attached by ClinVar (database versions not stated): TOPMed below 0.00001.
gnomAD v4.1: 4 of 1,614,210 alleles (0.00025%); highest among the groups gnomAD compares: Admixed American, 0.005%; no homozygotes.

Submissions (3):

Labcorp Genetics (formerly Invitae), Labcorp
Classification: Uncertain significance for Familial cancer of breast. Last evaluated: 2025-11-01. Review status: criteria provided, single submitter. Criteria: Invitae Variant Classification Sherloc (09022015). Collection method: clinical testing. Allele origin: germline.
Comment: This sequence change replaces aspartic acid, which is acidic and polar, with valine, which is neutral and non-polar, at codon 729 of the BARD1 protein (p.Asp729Val). This variant is present in population databases (no rsID available, gnomAD 0.009%). This variant has not been reported in the literature in individuals affected with BARD1-related conditions. ClinVar contains an entry for this variant (Variation ID: 653351). An algorithm developed to predict the effect of missense changes on protein structure and function (PolyPhen-2) suggests that this variant is likely to be disruptive. In summary, the available evidence is currently insufficient to determine the role of this variant in disease. Therefore, it has been classified as a Variant of Uncertain Significance.

GeneDx
Classification: Uncertain significance. Last evaluated: 2025-06-05. Review status: criteria provided, single submitter. Criteria: GeneDx Variant Classification Process June 2021. Collection method: clinical testing. Allele origin: germline. Affected: yes.
Comment: Not observed at significant frequency in large population cohorts (gnomAD); In silico analysis supports that this missense variant has a deleterious effect on protein structure/function; Has not been previously published as pathogenic or benign to our knowledge; This variant is associated with the following publications: (PMID: 17550235)

Ambry Genetics
Classification: Uncertain significance for Hereditary cancer-predisposing syndrome. Last evaluated: 2025-02-15. Review status: criteria provided, single submitter. Criteria: Ambry Variant Classification Scheme 2023. Collection method: clinical testing. Allele origin: germline.
Comment: The p.D729V variant (also known as c.2186A>T), located in coding exon 11 of the BARD1 gene, results from an A to T substitution at nucleotide position 2186. The aspartic acid at codon 729 is replaced by valine, an amino acid with highly dissimilar properties. This amino acid position is highly conserved in available vertebrate species. In addition, this alteration is predicted to be deleterious by in silico analysis. Since supporting evidence is limited at this time, the clinical significance of this alteration remains unclear.